The following is an entry in ClinVar:

ClinVar aggregate classification (germline): Uncertain significance. Review status: criteria provided, multiple submitters, no conflicts (2 of 4 stars). 3 submissions from 3 submitters: Uncertain significance (2). 1 of the submissions does not count toward it. Last evaluated 2026-01-04.

Conditions:
Kufor-Rakeb syndrome (KRS). Also called: PARKINSON DISEASE 9, AUTOSOMAL RECESSIVE, JUVENILE-ONSET. Identifiers: Orphanet 306674, Orphanet 314632, MedGen C1847640, MONDO:0011706, OMIM 606693.
Autosomal recessive spastic paraplegia type 78. Identifiers: Orphanet 513436, MedGen C5567893, MONDO:0014975, OMIM 617225.
ATP13A2-related disorder. Also called: ATP13A2-related condition; ATP13A2-related disorders.

Allele frequency attached by ClinVar (database versions not stated): ExAC 0.00001; gnomAD 0.00001; TOPMed 0.00002; 1000 Genomes Project 30x 0.00016; 1000 Genomes Project 0.00020.
gnomAD v4.1: 26 of 1,613,722 alleles (0.0016%); highest among the groups gnomAD compares: Non-Finnish European, 0.002%; no homozygotes.

Submissions (3):

Labcorp Genetics (formerly Invitae), Labcorp
Classification: Uncertain significance for Kufor-Rakeb syndrome; Autosomal recessive spastic paraplegia type 78. Last evaluated: 2026-01-04. Review status: criteria provided, single submitter. Criteria: Invitae Variant Classification Sherloc (09022015). Collection method: clinical testing. Allele origin: germline.
Comment: This sequence change replaces arginine, which is basic and polar, with glutamine, which is neutral and polar, at codon 76 of the ATP13A2 protein (p.Arg76Gln). This variant is present in population databases (rs536805463, gnomAD 0.003%). This variant has not been reported in the literature in individuals affected with ATP13A2-related conditions. ClinVar contains an entry for this variant (Variation ID: 1711214). Invitae Evidence Modeling of protein sequence and biophysical properties (such as structural, functional, and spatial information, amino acid conservation, physicochemical variation, residue mobility, and thermodynamic stability) indicates that this missense variant is not expected to disrupt ATP13A2 protein function with a negative predictive value of 80%. In summary, the available evidence is currently insufficient to determine the role of this variant in disease. Therefore, it has been classified as a Variant of Uncertain Significance.

CeGaT Center for Human Genetics Tuebingen
Classification: Uncertain significance. Last evaluated: 2022-09-01. Review status: criteria provided, single submitter. Criteria: CeGaT Center For Human Genetics Tuebingen Variant Classification Criteria Version 2. Collection method: clinical testing. Allele origin: germline. Affected: yes. Observed: 1 variant allele.
Comment: ATP13A2: PM2, BP4

PreventionGenetics, part of Exact Sciences
Classification: Uncertain significance for ATP13A2-related condition. Last evaluated: 2024-05-13. Review status: no assertion criteria provided. Collection method: clinical testing. Allele origin: germline. Not counted in ClinVar's aggregate classification.
Comment: The ATP13A2 c.227G>A variant is predicted to result in the amino acid substitution p.Arg76Gln. To our knowledge, this variant has not been reported in the literature. This variant is reported in 0.0029% of alleles in individuals of Latino descent in gnomAD. At this time, the clinical significance of this variant is uncertain due to the absence of conclusive functional and genetic evidence.

NM_022089.4(ATP13A2):c.227G>A (p.Arg76Gln)

Gene: ATP13A2 (ATPase cation transporting 13A2; minus strand). Cytogenetic location: 1p36.13.
Variant type: single nucleotide variant.
Coding change: c.227G>A on transcript NM_022089.4 (MANE Select); coding-DNA position 227, G replaced by A.
Protein change: p.Arg76Gln; replaces arginine 76 with glutamine.
Molecular consequence: missense variant.
Genome position (GRCh38, 1-based): chr1:17,005,435, C>T on the plus strand (G>A on the coding strand, the complement: ATP13A2 is on the minus strand). VCF-style: chr1-17005435-C-T. GRCh37 (hg19) VCF-style: chr1-17331930-C-T.
Other names: c.227G>A (NM_022089.3); c.227G>A, p.Arg76Gln (NM_001141973.3, NM_001141974.3); short protein forms R76Q.
Identifiers: ClinVar variation 1711214 (VCV001711214.34), dbSNP rs536805463, ClinGen allele CA637724.
Genomic context (GRCh38, chr1:17,005,435, plus strand): 5'-TCTTTGTCTCTTATTTCGATAACGAGTGTTTCGGCGTGGGCCAGGTTGCAGGGCCGGAGC[C>T]GCAGCCGCACCCCCCACAGGGGCTTCCAACGGAAGAGCAGCAAAGGGATCCCAGCCATCA-3'
Protein context (NP_071372.1, residues 66-86): RWKPLWGVRL[Arg76Gln]LRPCNLAHAE